The following is an entry in ClinVar:

NM_000202.8(IDS):c.1453A>T (p.Ile485Leu)

Gene: IDS (iduronate 2-sulfatase; minus strand). Cytogenetic location: Xq28.
Variant type: single nucleotide variant.
Coding change: c.1453A>T on transcript NM_000202.8 (MANE Select); coding-DNA position 1453, A replaced by T.
Protein change: p.Ile485Leu; replaces isoleucine 485 with leucine.
Molecular consequence: missense variant.
Genome position (GRCh38, 1-based): chrX:149,482,946, T>A on the plus strand (A>T on the coding strand, the complement: IDS is on the minus strand). VCF-style: chrX-149482946-T-A. GRCh37 (hg19) VCF-style: chrX-148564477-T-A.
Other names: c.1183A>T, p.Ile395Leu (NM_001166550.4); short protein forms I395L, I485L.
Identifiers: ClinVar variation 3256065 (VCV003256065.2).

ClinVar aggregate classification (germline): Pathogenic (1 of 4 stars; one submission).

Conditions:
Mucopolysaccharidosis, MPS-II (MPS2). Also called: Hunter Syndrome; IDURONATE 2-SULFATASE DEFICIENCY; Mucopolysaccharidosis Type II; Mucopolysaccharidosis type 2; Attenuated MPS (subtype; formerly known as mild MPS II); Severe MPS II. Identifiers: Orphanet 580, Orphanet 79388, MedGen C0026705, MONDO:0010674, OMIM 309900.

Submission:

Laboratory of Diagnosis and Therapy of Lysosomal Disorders, University of Padova
Classification: Pathogenic for Mucopolysaccharidosis, MPS-II. Last evaluated: 2024-06-07. Review status: criteria provided, single submitter. Criteria: ACMG Guidelines, 2015. Collection method: literature only. Allele origin: germline. Affected: yes. Observed: 1 variant allele.
Comment: Absent from controls (or at low frequency) in gnomAD database (PM2_Moderate), Missense change at the same amino acid residue as a pathogenic variant (PM5_Moderate), Missense variant in a gene with a low rate of benign missense variation (PP2_Supporting), Multiple lines of computational evidence support a deleterious effect (PP3_Supporting), Patient’s phenotype or family history highly specific for the disease (PP4_Strong)

Classification method: ACMG Guidelines [PMID:25741868] with modifications

Literature cited by the submitters: PubMed 36713083.